The following is an entry in ClinVar:

NM_000784.4(CYP27A1):c.1184G>A (p.Arg395His)

Gene: CYP27A1 (cytochrome P450 family 27 subfamily A member 1; plus strand). Cytogenetic location: 2q35.
Variant type: single nucleotide variant.
Coding change: c.1184G>A on transcript NM_000784.4 (MANE Select); coding-DNA position 1184, G replaced by A.
Protein change: p.Arg395His; replaces arginine 395 with histidine.
Molecular consequence: missense variant.
Genome position (GRCh38, 1-based): chr2:218,814,187, G>A. VCF-style: chr2-218814187-G-A. GRCh37 (hg19) VCF-style: chr2-219678910-G-A.
Other names: c.1184G>A; short protein forms R395H.
Identifiers: ClinVar variation 65834 (VCV000065834.75), dbSNP rs587778778, ClinGen allele CA345162.

ClinVar aggregate classification (germline): Pathogenic/Likely pathogenic. Review status: criteria provided, multiple submitters, no conflicts (2 of 4 stars). 11 submissions from 11 submitters: Pathogenic (3); Likely pathogenic (6). 2 of the submissions do not count toward it. Last evaluated 2026-10-24.

Conditions:
Cardiovascular phenotype. Identifiers: MedGen CN230736.
Cholestanol storage disease (CTX). Also called: CEREBRAL CHOLESTERINOSIS; CTX: Cerebrotendinous xanthomatosis; Cerebrotendinous Xanthomatosis. Identifiers: Orphanet 909, MedGen C0238052, MONDO:0008948, OMIM 213700.

Allele frequency attached by ClinVar (database versions not stated): ExAC 0.00002; gnomAD exomes 0.00003; TOPMed 0.00006; gnomAD 0.00009 and 0.00011.
gnomAD v4.1: 38 of 1,614,096 alleles (0.0024%); highest among the groups gnomAD compares: African/African-American, 0.0067%; no homozygotes.

Submissions (11):

GeneDx
Classification: Likely pathogenic. Last evaluated: 2026-10-24. Review status: criteria provided, single submitter. Criteria: GeneDx Variant Classification Process June 2021. Collection method: clinical testing. Allele origin: germline.
Comment: RNA studies demonstrate a damaging effect as the variant leads to aberrant splicing and a non-functional enzyme (PMID: 9548584); In silico analysis supports a deleterious effect on splicing; Also known as R362H; This variant is associated with the following publications: (PMID: 32344004, 34689324, 33704661, 17697869, 11181744, 8950197, 9521761, 27175728, 26643207, 16816916, 9548584, 9790667, 28749476, 39874852, 39717439)

Labcorp Genetics (formerly Invitae), Labcorp
Classification: Pathogenic for Cholestanol storage disease. Last evaluated: 2026-02-01. Review status: criteria provided, single submitter. Criteria: Invitae Variant Classification Sherloc (09022015). Collection method: clinical testing. Allele origin: germline.
Comment: This sequence change replaces arginine, which is basic and polar, with histidine, which is basic and polar, at codon 395 of the CYP27A1 protein (p.Arg395His). RNA analysis indicates that this missense change induces altered splicing and may result in an absent or altered protein product. This variant is present in population databases (rs587778778, gnomAD 0.04%). This missense change has been observed in individual(s) with cerebrotendinous xanthomatosis (PMID: 8950197). This variant is also known as Arg362His. ClinVar contains an entry for this variant (Variation ID: 65834). Invitae Evidence Modeling of protein sequence and biophysical properties (such as structural, functional, and spatial information, amino acid conservation, physicochemical variation, residue mobility, and thermodynamic stability) indicates that this missense variant is expected to disrupt CYP27A1 protein function with a positive predictive value of 95%. Experimental studies have shown that this missense change affects CYP27A1 function (PMID: 17697869). Variants that disrupt the consensus splice site are a relatively common cause of aberrant splicing (PMID: 17576681, 9536098). Studies have shown that this missense change results in skipping of exon 6 and activation of a cryptic splice site, and produces a non-functional protein and/or introduces a premature termination codon (PMID: 9548584). For these reasons, this variant has been classified as Pathogenic.

Natera, Inc.
Classification: Likely pathogenic for Cerebrotendinous xanthomatosis. Last evaluated: 2025-07-17. Review status: criteria provided, single submitter. Criteria: Natera Variant Classification Schema (03/2026). Collection method: clinical testing. Allele origin: germline.
Comment: The c.1184G>A variant in CYP27A1 is a missense variant predicted to cause substitution of arginine to histidine at amino acid 395. This variant is rare in the general population with a frequency below the threshold expected for the associated phenotype(s). This variant has been observed in one or more individuals affected with the associated recessive disease, as either homozygous or compound heterozygous with a second variant (PMID: 39717439, 8950197). Functional studies show that this variant may disrupt protein function (PMID: 8950197, 9548584). A different variant at the same position has been determined to be Pathogenic or Likely Pathogenic. Computational prediction algorithms indicate this variant is likely to affect gene or protein function. Given the available evidence, this variant is classified as Likely Pathogenic.

Ambry Genetics
Classification: Likely pathogenic for Cardiovascular phenotype. Last evaluated: 2025-03-07. Review status: criteria provided, single submitter. Criteria: Ambry Variant Classification Scheme 2023. Collection method: clinical testing. Allele origin: germline.
Comment: The c.1184G>A variant (also known as p.R395H), located in coding exon 6 of the CYP27A1 gene, results from a G to A substitution at nucleotide position 1184. The amino acid change results in arginine to histidine at codon 395, an amino acid with highly similar properties. However, this change occurs in the last base pair of coding exon 6, which makes it likely to have some effect on normal mRNA splicing. This variant has been identified in the homozygous state and/or in conjunction with other CYP27A1 variant(s) in individual(s) with features consistent with cerebrotendinous xanthomatosis (Chen W et al. Biochim Biophys Acta, 1996 Nov;1317:119-26; Matta A et al. Front Cardiovasc Med, 2024 Dec;11:1496442). In an assay testing CYP27A1 function, this variant showed a functionally abnormal result (Gupta RP et al. Metabolism, 2007 Sep;56:1248-55). This nucleotide position is highly conserved in available vertebrate species. This amino acid position is highly conserved in available vertebrate species. In silico splice site analysis predicts that this alteration will weaken the native splice donor site. In addition, as a missense substitution this is predicted to be deleterious by in silico analysis. Based on the majority of available evidence to date, this variant is likely to be pathogenic.

Fulgent Genetics
Classification: Likely pathogenic for Cholestanol storage disease. Last evaluated: 2024-05-29. Review status: criteria provided, single submitter. Criteria: ACMG Guidelines, 2015. Collection method: clinical testing. Allele origin: germline.

Myriad Genetics, Inc.
Classification: Likely pathogenic for Cholestanol storage disease. Last evaluated: 2021-11-03. Review status: criteria provided, single submitter. Criteria: Myriad Women's Health Autosomal Recessive and X-Linked Classification Criteria (2021). Collection method: clinical testing. Allele origin: unknown.
Comment: NM_000784.3(CYP27A1):c.1184G>A(R395H) is a missense variant classified as likely pathogenic in the context of cerebrotendinous xanthomatosis. R395H has been observed in cases with relevant disease (PMID: 11181744, 8950197). Functional assessments of this variant are available in the literature (PMID 7697869, 8950197, 9548584). R395H has been observed in population frequency databases (gnomAD: ASJ 0.06%). In summary, NM_000784.3(CYP27A1):c.1184G>A(R395H) is a missense variant that has functional support for pathogenicity and has been observed more frequently in cases with the relevant disease than in healthy populations. Please note: this variant was assessed in the context of healthy population screening.

Revvity Omics, Revvity
Classification: Pathogenic for Cholestanol storage disease. Last evaluated: 2021-07-22. Review status: criteria provided, single submitter. Criteria: ACMG Guidelines, 2015. Collection method: clinical testing. Allele origin: germline.

CeGaT Center for Human Genetics Tuebingen
Classification: Pathogenic. Last evaluated: 2018-01-01. Review status: criteria provided, single submitter. Criteria: CeGaT Center For Human Genetics Tuebingen Variant Classification Criteria Version 2. Collection method: clinical testing. Allele origin: germline. Affected: yes. Observed: 1 variant allele.

Eurofins Ntd Llc (ga)
Classification: Likely pathogenic. Last evaluated: 2017-06-13. Review status: criteria provided, single submitter. Criteria: EGL Classification Definitions 2015. Collection method: clinical testing. Allele origin: germline. Observed: 2 variant alleles, 2 heterozygotes.

GeneReviews
Classification: Pathogenic for Cerebrotendinous Xanthomatosis. Last evaluated: 2013-08-01. Review status: no assertion criteria provided. Collection method: curation. Allele origin: unknown. Not counted in ClinVar's aggregate classification.
ClinVar note: Converted during submission from pathologic to Pathogenic.

Kasturba Medical College, Manipal, Kasturba Medical College, Manipal, Manipal Academy of Higher Education, Manipal, India
Classification: Likely pathogenic for Cholestanol storage disease. Review status: no assertion criteria provided. Collection method: clinical testing. Allele origin: biparental. Inheritance: Autosomal recessive inheritance. Affected: yes. Not counted in ClinVar's aggregate classification.

Literature cited by the submitters: PubMed 8950197 (cited by 5 submitters); PubMed 17697869 (cited by Labcorp Genetics (formerly Invitae), Labcorp and Ambry Genetics); PubMed 17576681 (cited by Labcorp Genetics (formerly Invitae), Labcorp); PubMed 9536098 (cited by Labcorp Genetics (formerly Invitae), Labcorp); PubMed 9548584 (cited by 4 submitters); PubMed 39717439 (cited by Natera, Inc. and Ambry Genetics); PubMed 7697869 (cited by Myriad Genetics, Inc.); PubMed 11181744 (cited by Myriad Genetics, Inc.); DOI 10.1016/s0925-4439(96)00043-9 (cited by Kasturba Medical College, Manipal, Kasturba Medical College, Manipal, Manipal Academy of Higher Education, Manipal, India).